The following is an entry in ClinVar:

NM_002739.5(PRKCG):c.316C>G (p.His106Asp)

Gene: PRKCG (protein kinase C gamma; plus strand). Cytogenetic location: 19q13.42.
Variant type: single nucleotide variant.
Coding change: c.316C>G on transcript NM_002739.5 (MANE Select); coding-DNA position 316, C replaced by G.
Protein change: p.His106Asp; replaces histidine 106 with aspartic acid.
Molecular consequence: missense variant.
Genome position (GRCh38, 1-based): chr19:53,889,668, C>G. VCF-style: chr19-53889668-C-G. GRCh37 (hg19) VCF-style: chr19-54392922-C-G.
Other names: c.316C>G, p.His106Asp (NM_001316329.2); short protein forms H106D.
Identifiers: ClinVar variation 5017298 (VCV005017298.1).

ClinVar aggregate classification (germline): Uncertain significance (1 of 4 stars; one submission).

Submission:

GeneDx
Classification: Uncertain significance. Last evaluated: 2026-03-24. Review status: criteria provided, single submitter. Criteria: GeneDx Variant Classification Process June 2021. Collection method: clinical testing. Allele origin: germline.
Comment: Not observed at significant frequency in large population cohorts (gnomAD); In silico analysis supports that this missense variant has a deleterious effect on protein structure/function; Has not been previously published as pathogenic or benign to our knowledge